The following is an entry in ClinVar:

ClinVar aggregate classification (germline): Uncertain significance (1 of 4 stars; one submission).

Conditions:
Leigh syndrome (NULS). Also called: Leigh Syndrome (mtDNA deletion); Subacute necrotizing encephalopathy; Necrotizing encephalopathy infantile subacute of Leigh; LEIGH SYNDROME, NUCLEAR; Leigh's syndrome; Leigh Disease. Identifiers: Orphanet 506, MedGen C2931891, MONDO:0009723, OMIM 256000.

Allele frequency attached by ClinVar (database versions not stated): TOPMed 0.00001; gnomAD exomes 0.00003.
gnomAD v4.1: 37 of 1,532,760 alleles (0.0024%); highest among the groups gnomAD compares: East Asian, 0.0098%; no homozygotes.

Submission:

Labcorp Genetics (formerly Invitae), Labcorp
Classification: Uncertain significance for Leigh syndrome. Last evaluated: 2021-09-01. Review status: criteria provided, single submitter. Criteria: Invitae Variant Classification Sherloc (09022015). Collection method: clinical testing. Allele origin: germline.
Comment: This sequence change replaces proline with alanine at codon 33 of the SURF1 protein (p.Pro33Ala). The proline residue is weakly conserved and there is a small physicochemical difference between proline and alanine. The frequency data for this variant in the population databases is considered unreliable, as metrics indicate insufficient coverage at this position in the ExAC database. This variant has not been reported in the literature in individuals affected with SURF1-related conditions. Algorithms developed to predict the effect of missense changes on protein structure and function output the following: SIFT: "Tolerated"; PolyPhen-2: "Benign"; Align-GVGD: "Class C0". The alanine amino acid residue is found in multiple mammalian species, which suggests that this missense change does not adversely affect protein function. In summary, the available evidence is currently insufficient to determine the role of this variant in disease. Therefore, it has been classified as a Variant of Uncertain Significance.

NM_003172.4(SURF1):c.97C>G (p.Pro33Ala)

Gene: SURF1 (SURF1 cytochrome c oxidase assembly factor; minus strand). Cytogenetic location: 9q34.2.
Variant type: single nucleotide variant.
Coding change: c.97C>G on transcript NM_003172.4 (MANE Select); coding-DNA position 97, C replaced by G.
Protein change: p.Pro33Ala; replaces proline 33 with alanine.
Molecular consequence: missense variant. On other transcripts: intron variant (1).
Genome position (GRCh38, 1-based): chr9:133,356,278, G>C on the plus strand (C>G on the coding strand, the complement: SURF1 is on the minus strand). VCF-style: chr9-133356278-G-C. GRCh37 (hg19) VCF-style: chr9-136223133-G-C.
Other names: c.-222+122C>G (NM_001280787.1); short protein forms P33A.
Identifiers: ClinVar variation 1020618 (VCV001020618.6), dbSNP rs1295640591, ClinGen allele CA375695023.